The following is an entry in ClinVar:

ClinVar aggregate classification (germline): Uncertain significance (1 of 4 stars; one submission).

Submission:

Labcorp Genetics (formerly Invitae), Labcorp
Classification: Uncertain significance. Last evaluated: 2024-03-19. Review status: criteria provided, single submitter. Criteria: Invitae Variant Classification Sherloc (09022015). Collection method: clinical testing. Allele origin: germline.
Comment: This sequence change replaces glycine, which is neutral and non-polar, with arginine, which is basic and polar, at codon 475 of the COL4A4 protein (p.Gly475Arg). This variant is not present in population databases (gnomAD no frequency). This variant has not been reported in the literature in individuals affected with COL4A4-related conditions. Advanced modeling of protein sequence and biophysical properties (such as structural, functional, and spatial information, amino acid conservation, physicochemical variation, residue mobility, and thermodynamic stability) performed at Invitae indicates that this missense variant is not expected to disrupt COL4A4 protein function with a negative predictive value of 95%. This variant disrupts the p.Gly475 amino acid residue in COL4A4. Other variant(s) that disrupt this residue have been determined to be pathogenic (PMID: 31934206). This suggests that this residue is clinically significant, and that variants that disrupt this residue are likely to be disease-causing. In summary, the available evidence is currently insufficient to determine the role of this variant in disease. Therefore, it has been classified as a Variant of Uncertain Significance.

Literature cited by the submitters: PubMed 31934206.

NM_000092.5(COL4A4):c.1423G>C (p.Gly475Arg)

Gene: COL4A4 (collagen type IV alpha 4 chain; minus strand). Cytogenetic location: 2q36.3.
Variant type: single nucleotide variant.
Coding change: c.1423G>C on transcript NM_000092.5 (MANE Select); coding-DNA position 1423, G replaced by C.
Protein change: p.Gly475Arg; replaces glycine 475 with arginine.
Molecular consequence: missense variant.
Genome position (GRCh38, 1-based): chr2:227,089,904, C>G on the plus strand (G>C on the coding strand, the complement: COL4A4 is on the minus strand). VCF-style: chr2-227089904-C-G. GRCh37 (hg19) VCF-style: chr2-227954620-C-G.
Other names: short protein forms G475R.
Identifiers: ClinVar variation 3684725 (VCV003684725.2).
Genomic context (GRCh38, chr2:227,089,904, plus strand): 5'-ATTCTACCTTTGGTGCCTACTTGCCTTTTTCTCCTTTTGGGCCTCTTCCTCCTGGGGGAC[C>G]AACTTTGCCTTTTATTCCTTGTGGTCCGGGGTTCCCAACACTACAGTATATCACTGTCAA-3'
Protein context (NP_000083.3, residues 465-485): PGPQGIKGKV[Gly475Arg]PPGGRGPKGE